The following is an entry in ClinVar:

NM_003890.3(FCGBP):c.1896C>T (p.Asp632=)

Gene: FCGBP (Fc gamma binding protein; minus strand). Cytogenetic location: 19q13.2.
Variant type: single nucleotide variant.
Coding change: c.1896C>T on transcript NM_003890.3 (MANE Select); coding-DNA position 1896, C replaced by T.
Protein change: p.Asp632=; no amino-acid change (aspartic acid 632 retained).
Molecular consequence: synonymous variant.
Genome position (GRCh38, 1-based): chr19:39,918,400, G>A on the plus strand (C>T on the coding strand, the complement: FCGBP is on the minus strand). VCF-style: chr19-39918400-G-A. GRCh37 (hg19) VCF-style: chr19-40424307-G-A.
Identifiers: ClinVar variation 2649868 (VCV002649868.24), dbSNP rs200120775, ClinGen allele CA9437896.

ClinVar aggregate classification (germline): Likely benign (1 of 4 stars; one submission).

Allele frequency attached by ClinVar (database versions not stated): ESP Exome Variant Server 0.00031; TOPMed 0.00032; gnomAD 0.00048; gnomAD exomes 0.00106; 1000 Genomes Project 30x 0.00156; 1000 Genomes Project 0.00160; ExAC 0.00172.

Submission:

CeGaT Center for Human Genetics Tuebingen
Classification: Likely benign. Last evaluated: 2022-07-01. Review status: criteria provided, single submitter. Criteria: CeGaT Center For Human Genetics Tuebingen Variant Classification Criteria Version 2. Collection method: clinical testing. Allele origin: germline. Affected: yes. Observed: 1 variant allele.
Comment: FCGBP: BP4, BP7